The following is an entry in ClinVar:

ClinVar aggregate classification (germline): Conflicting classifications of pathogenicity. Review status: criteria provided, conflicting classifications (1 of 4 stars). 2 submissions from 2 submitters: Uncertain significance (1); Likely benign (1). Last evaluated 2026-03-25.

gnomAD v4.1: 199 of 1,612,934 alleles (0.012%); highest among the groups gnomAD compares: Middle Eastern, 0.64%; 1 homozygote.

Submissions (2):

Women's Health and Genetics/Laboratory Corporation of America, LabCorp
Classification: Uncertain significance. Last evaluated: 2026-03-25. Review status: criteria provided, single submitter. Criteria: LabCorp Variant Classification Summary - May 2015. Collection method: clinical testing. Allele origin: germline.
Comment: Variant summary: NCSTN c.-11A>C is located in the untranslated mRNA region upstream of the initiation codon. The variant allele was found at a frequency of 0.00019 in 246786 control chromosomes. This frequency is not significantly higher than estimated for disease-causing variants in NCSTN, allowing no conclusion about variant significance. To our knowledge, no occurrence of c.-11A>C in individuals affected with NCSTN-related conditions and no experimental evidence demonstrating its impact on protein function have been reported. No submitters have cited clinical-significance assessments for this variant to ClinVar. Based on the evidence outlined above, the variant was classified as uncertain significance.

Blueprint Genetics
Classification: Likely benign. Last evaluated: 2024-10-16. Review status: criteria provided, single submitter. Criteria: ACMG Guidelines, 2015. Collection method: clinical testing. Allele origin: germline.

NM_015331.3(NCSTN):c.-11A>C

Gene: NCSTN (nicastrin; plus strand). Cytogenetic location: 1q23.2.
Variant type: single nucleotide variant.
Coding change: c.-11A>C on transcript NM_015331.3 (MANE Select); 11 bases upstream of the start codon, A replaced by C.
Molecular consequence: 5 prime UTR variant.
Genome position (GRCh38, 1-based): chr1:160,343,386, A>C. VCF-style: chr1-160343386-A-C. GRCh37 (hg19) VCF-style: chr1-160313176-A-C.
Other names: c.-210A>C (NM_001290184.2); c.-11A>C (NM_001290186.2, NM_001349729.2).
Identifiers: ClinVar variation 4847689 (VCV004847689.2).
Genomic context (GRCh38, chr1:160,343,386, plus strand): 5'-TCAGTGGTAGCCTAGAGAGGCCGCTAACAGACAGGAGCCGAACGGGGGCTTCCGCTCAGC[A>C]GAGAGGCAAGATGGCTACGGCAGGGGGTGGCTCTGGGGCTGACCCGGGAAGTCGGGGTCT-3'